The following is an entry in ClinVar:

ClinVar aggregate classification (germline): Uncertain significance (1 of 4 stars; one submission).

Conditions:
Immunodeficiency, common variable, 10. Also called: DEFICIT IN ANTERIOR PITUITARY FUNCTION AND VARIABLE IMMUNODEFICIENCY; IMMUNODEFICIENCY, COMMON VARIABLE, WITH CENTRAL ADRENAL INSUFFICIENCY. Identifiers: MedGen C3809991, MONDO:0014260, OMIM 615577.

Submission:

Labcorp Genetics (formerly Invitae), Labcorp
Classification: Uncertain significance for Immunodeficiency, common variable, 10. Last evaluated: 2021-01-13. Review status: criteria provided, single submitter. Criteria: Invitae Variant Classification Sherloc (09022015). Collection method: clinical testing. Allele origin: germline.
Comment: This variant is not present in population databases (ExAC no frequency). This sequence change replaces arginine with glutamine at codon 52 of the NFKB2 protein (p.Arg52Gln). The arginine residue is moderately conserved and there is a small physicochemical difference between arginine and glutamine. This variant has not been reported in the literature in individuals with NFKB2-related conditions. In summary, the available evidence is currently insufficient to determine the role of this variant in disease. Therefore, it has been classified as a Variant of Uncertain Significance. Algorithms developed to predict the effect of missense changes on protein structure and function are either unavailable or do not agree on the potential impact of this missense change (SIFT: "Tolerated"; PolyPhen-2: "Probably Damaging"; Align-GVGD: "Class C0").

NM_001322934.2(NFKB2):c.155G>A (p.Arg52Gln)

Gene: NFKB2 (nuclear factor kappa B subunit 2; plus strand). Cytogenetic location: 10q24.32.
Variant type: single nucleotide variant.
Coding change: c.155G>A on transcript NM_001322934.2 (MANE Select); coding-DNA position 155, G replaced by A.
Protein change: p.Arg52Gln; replaces arginine 52 with glutamine.
Molecular consequence: missense variant.
Genome position (GRCh38, 1-based): chr10:102,396,735, G>A. VCF-style: chr10-102396735-G-A. GRCh37 (hg19) VCF-style: chr10-104156492-G-A.
Other names: c.155G>A, p.Arg52Gln (NM_001077494.3, NM_001261403.3, NM_001288724.1 and 2 more transcripts); short protein forms R52Q.
Identifiers: ClinVar variation 1512705 (VCV001512705.8), dbSNP rs2135429414, ClinGen allele CA377896045.
Genomic context (GRCh38, chr10:102,396,735, plus strand): 5'-CCTGGGTGGTCTTCCCTGATCACAATGCTACTATGCCCTTGGACCTTCAGAGAGGCTTCC[G>A]ATTTCGATATGGCTGTGAAGGCCCCTCCCATGGAGGACTGCCCGGTGCCTCCAGTGAGAA-3'
Protein context (NP_001309863.1, residues 42-62): IVEQPKQRGF[Arg52Gln]FRYGCEGPSH